The following is an entry in ClinVar:

ClinVar aggregate classification (germline): Uncertain significance (1 of 4 stars; one submission).

Submission:

GeneDx
Classification: Uncertain significance. Last evaluated: 2019-08-01. Review status: criteria provided, single submitter. Criteria: GeneDx Variant Classification Process June 2021. Collection method: clinical testing. Allele origin: germline. Affected: yes.
Comment: Not observed in large population cohorts (Lek et al., 2016); In silico analysis, which includes protein predictors and evolutionary conservation, supports a deleterious effect; Has not been previously published as pathogenic or benign to our knowledge

NM_006015.6(ARID1A):c.3204C>A (p.Asn1068Lys)

Gene: ARID1A (AT-rich interaction domain 1A; plus strand). Cytogenetic location: 1p36.11.
Variant type: single nucleotide variant.
Coding change: c.3204C>A on transcript NM_006015.6 (MANE Select); coding-DNA position 3204, C replaced by A.
Protein change: p.Asn1068Lys; replaces asparagine 1068 with lysine.
Molecular consequence: missense variant.
Genome position (GRCh38, 1-based): chr1:26,771,124, C>A. VCF-style: chr1-26771124-C-A. GRCh37 (hg19) VCF-style: chr1-27097615-C-A.
Other names: c.3204C>A, p.Asn1068Lys (NM_139135.4); short protein forms N1068K.
Identifiers: ClinVar variation 1304812 (VCV001304812.2), dbSNP rs755752666, ClinGen allele CA339164403.
Genomic context (GRCh38, chr1:26,771,124, plus strand): 5'-GGGCAGGAAAACCAGGCGGGAGATATACCTCGACTCCTTTGGTTTGGTTATACAGGTCAA[C>A]AAGAACAAAAAATGGCGGGAACTTGCAACCAACCTCAATGTGGGCACATCAAGCAGTGCT-3'
Protein context (NP_006006.3, residues 1058-1078): VKEIGGLTQV[Asn1068Lys]KNKKWRELAT